The following is an entry in ClinVar:

NM_002860.4(ALDH18A1):c.1099G>A (p.Gly367Arg)

Gene: ALDH18A1 (aldehyde dehydrogenase 18 family member A1; minus strand). Cytogenetic location: 10q24.1.
Variant type: single nucleotide variant.
Coding change: c.1099G>A on transcript NM_002860.4 (MANE Select); coding-DNA position 1099, G replaced by A.
Protein change: p.Gly367Arg; replaces glycine 367 with arginine.
Molecular consequence: missense variant.
Genome position (GRCh38, 1-based): chr10:95,626,756, C>T on the plus strand (G>A on the coding strand, the complement: ALDH18A1 is on the minus strand). VCF-style: chr10-95626756-C-T. GRCh37 (hg19) VCF-style: chr10-97386513-C-T.
Other names: c.1093G>A, p.Gly365Arg (NM_001017423.2, NM_001323415.2); c.766G>A, p.Gly256Arg (NM_001323412.2, NM_001323416.2); c.1099G>A, p.Gly367Arg (NM_001323413.2, NM_001323414.2); c.994G>A, p.Gly332Arg (NM_001323417.2); c.760G>A, p.Gly254Arg (NM_001323418.2); c.463G>A, p.Gly155Arg (NM_001323419.2); short protein forms G256R, G332R, G365R, G367R, G155R, G254R.
Identifiers: ClinVar variation 4534602 (VCV004534602.6).

ClinVar aggregate classification (germline): Uncertain significance (1 of 4 stars; one submission).

Submission:

CeGaT Center for Human Genetics Tuebingen
Classification: Uncertain significance. Last evaluated: 2025-11-01. Review status: criteria provided, single submitter. Criteria: CeGaT Center For Human Genetics Tuebingen Variant Classification Criteria Version 2. Collection method: clinical testing. Allele origin: germline. Affected: yes. Observed: 1 variant allele.
Comment: ALDH18A1: PM2